The following is an entry in ClinVar:

ClinVar aggregate classification (germline): Uncertain significance. Review status: criteria provided, multiple submitters, no conflicts (2 of 4 stars). 2 submissions from 2 submitters: Uncertain significance (2). Last evaluated 2023-11-06.

Conditions:
Hereditary cancer-predisposing syndrome. Also called: Hereditary neoplastic syndrome; Tumor predisposition; Hereditary Cancer Syndrome; Neoplastic Syndromes, Hereditary. Identifiers: Orphanet 140162, MedGen C0027672, MeSH D009386, MONDO:0015356.

Submissions (2):

Color Diagnostics, LLC DBA Color Health
Classification: Uncertain significance for Hereditary cancer-predisposing syndrome. Last evaluated: 2023-11-06. Review status: criteria provided, single submitter. Criteria: ACMG Guidelines, 2015. Collection method: clinical testing. Allele origin: germline.
Comment: This missense variant replaces cysteine with phenylalanine at codon 62 of the BARD1 protein. Computational prediction is inconclusive regarding the impact of this variant on protein structure and function (internally defined REVEL score threshold 0.5 < inconclusive < 0.7, PMID: 27666373). To our knowledge, functional studies have not been reported for this variant. This variant has not been reported in individuals affected with BARD1-related disorders in the literature. This variant has been identified in 2/251164 chromosomes in the general population by the Genome Aggregation Database (gnomAD). The available evidence is insufficient to determine the role of this variant in disease conclusively. Therefore, this variant is classified as a Variant of Uncertain Significance.

Ambry Genetics
Classification: Uncertain significance for Hereditary cancer-predisposing syndrome. Last evaluated: 2023-08-26. Review status: criteria provided, single submitter. Criteria: Ambry Variant Classification Scheme 2023. Collection method: clinical testing. Allele origin: germline.
Comment: The p.C62F variant (also known as c.185G>T), located in coding exon 2 of the BARD1 gene, results from a G to T substitution at nucleotide position 185. The cysteine at codon 62 is replaced by phenylalanine, an amino acid with highly dissimilar properties. This amino acid position is conserved. In addition, the in silico prediction for this alteration is inconclusive. Since supporting evidence is limited at this time, the clinical significance of this alteration remains unclear.

NM_000465.4(BARD1):c.185G>T (p.Cys62Phe)

Gene: BARD1 (BRCA1 associated RING domain 1; minus strand). Cytogenetic location: 2q35.
Variant type: single nucleotide variant.
Coding change: c.185G>T on transcript NM_000465.4 (MANE Select); coding-DNA position 185, G replaced by T.
Protein change: p.Cys62Phe; replaces cysteine 62 with phenylalanine.
Molecular consequence: missense variant. On other transcripts: non-coding transcript variant (2), intron variant (2).
Genome position (GRCh38, 1-based): chr2:214,797,091, C>A on the plus strand (G>T on the coding strand, the complement: BARD1 is on the minus strand). VCF-style: chr2-214797091-C-A. GRCh37 (hg19) VCF-style: chr2-215661815-C-A.
Other names: c.185G>T, p.Cys62Phe (NM_001282545.2, NM_001282549.2); c.158+12321G>T (NM_001282548.2); c.159-4646G>T (NM_001282543.2); short protein forms C62F.
Identifiers: ClinVar variation 2585707 (VCV002585707.4), dbSNP rs768089548, ClinGen allele CA350462254.